The following is an entry in ClinVar:

ClinVar aggregate classification (germline): Likely pathogenic (1 of 4 stars; one submission).

Conditions:
Larsen syndrome (LRS). Also called: Bilateral dislocation of the knees, pes cavus, cylindrically shaped fingers and characteristic facies; Larsen syndrome (FLNB-LS). Identifiers: Orphanet 503, MedGen C0175778, MONDO:0007875, OMIM 150250. Disease mechanism: loss of function.

Submission:

Dubai Health Genomic Medicine Center, Dubai Health
Classification: Likely pathogenic for Larsen syndrome. Last evaluated: 2024-10-04. Review status: criteria provided, single submitter. Criteria: ACMG Guidelines, 2015. Collection method: research. Allele origin: germline. Affected: yes.
Comment: PVS1,PM2

NM_001457.4(FLNB):c.4545T>A (p.Tyr1515Ter)

Gene: FLNB (filamin B; plus strand). Cytogenetic location: 3p14.3.
Variant type: single nucleotide variant.
Coding change: c.4545T>A on transcript NM_001457.4 (MANE Select); coding-DNA position 4545, T replaced by A.
Protein change: p.Tyr1515Ter; replaces tyrosine 1515 with a stop codon.
Molecular consequence: nonsense.
Genome position (GRCh38, 1-based): chr3:58,134,646, T>A. VCF-style: chr3-58134646-T-A. GRCh37 (hg19) VCF-style: chr3-58120373-T-A.
Other names: c.4638T>A, p.Tyr1546Ter (NM_001164317.2); c.4545T>A, p.Tyr1515Ter (NM_001164318.2, NM_001164319.2); short protein forms Y1515*, Y1546*.
Identifiers: ClinVar variation 3384082 (VCV003384082.1).
Genomic context (GRCh38, chr3:58,134,646, plus strand): 5'-ACTAGGGTGTGTGTGTGTGTGTCTATCAAGTCCCTTCAAGGTCAAGGTCCTTCCCACATA[T>A]GATGCCAGCAAAGTGACTGCCAGTGGCCCCGGCCTTAGTTCCTATGGTGTGCCTGCCAGT-3'